The following is an entry in ClinVar:

ClinVar aggregate classification (germline): Uncertain significance (1 of 4 stars; one submission).

Conditions:
Progressive sclerosing poliodystrophy (MTDPS4A). Also called: ALPERS PROGRESSIVE INFANTILE POLIODYSTROPHY; ALPERS DIFFUSE DEGENERATION OF CEREBRAL GRAY MATTER WITH HEPATIC CIRRHOSIS; Alpers-Huttenlocher Syndrome; NEURONAL DEGENERATION OF CHILDHOOD WITH LIVER DISEASE, PROGRESSIVE; Alpers Syndrome; Mitochondrial DNA Depletion Syndrome 4A. Identifiers: Orphanet 726, MedGen C0205710, MONDO:0008758, OMIM 203700.

Allele frequency attached by ClinVar (database versions not stated): gnomAD exomes below 0.00001.
gnomAD v4.1: 1 of 1,614,012 alleles (0.000062%); highest among the groups gnomAD compares: Non-Finnish European, 0.000085%; no homozygotes.

Submission:

Labcorp Genetics (formerly Invitae), Labcorp
Classification: Uncertain significance for Progressive sclerosing poliodystrophy. Last evaluated: 2021-12-01. Review status: criteria provided, single submitter. Criteria: Invitae Variant Classification Sherloc (09022015). Collection method: clinical testing. Allele origin: germline.
Comment: This sequence change replaces glycine, which is neutral and non-polar, with glutamic acid, which is acidic and polar, at codon 838 of the POLG protein (p.Gly838Glu). This variant is not present in population databases (gnomAD no frequency). This variant has not been reported in the literature in individuals affected with POLG-related conditions. ClinVar contains an entry for this variant (Variation ID: 1004587). Algorithms developed to predict the effect of missense changes on protein structure and function are either unavailable or do not agree on the potential impact of this missense change (SIFT: "Deleterious"; PolyPhen-2: "Probably Damaging"; Align-GVGD: "Class C15"). In summary, the available evidence is currently insufficient to determine the role of this variant in disease. Therefore, it has been classified as a Variant of Uncertain Significance.

NM_002693.3(POLG):c.2513G>A (p.Gly838Glu)

Gene: POLG (DNA polymerase gamma, catalytic subunit; minus strand). Cytogenetic location: 15q26.1.
Variant type: single nucleotide variant.
Coding change: c.2513G>A on transcript NM_002693.3 (MANE Select); coding-DNA position 2513, G replaced by A.
Protein change: p.Gly838Glu; replaces glycine 838 with glutamic acid.
Molecular consequence: missense variant.
Genome position (GRCh38, 1-based): chr15:89,321,821, C>T on the plus strand (G>A on the coding strand, the complement: POLG is on the minus strand). VCF-style: chr15-89321821-C-T. GRCh37 (hg19) VCF-style: chr15-89865052-C-T.
Other names: c.2513G>A, p.Gly838Glu (NM_001126131.2); short protein forms G838E.
Identifiers: ClinVar variation 1004587 (VCV001004587.4), dbSNP rs2055400568, ClinGen allele CA393754589.